The following is an entry in ClinVar:

ClinVar aggregate classification (germline): Uncertain significance. Review status: criteria provided, multiple submitters, no conflicts (2 of 4 stars). 2 submissions from 2 submitters: Uncertain significance (2). Last evaluated 2025-04-30.

Conditions:
Combined immunodeficiency due to OX40 deficiency. Also called: OX40 DEFICIENCY; Immunodeficiency 16. Identifiers: MedGen C3810053, MONDO:0014268, OMIM 615593, Orphanet 431149.

Allele frequency attached by ClinVar (database versions not stated): gnomAD 0.00001; TOPMed 0.00003; ESP Exome Variant Server 0.00008.
gnomAD v4.1: 15 of 1,612,492 alleles (0.00093%); highest among the groups gnomAD compares: East Asian, 0.0045%; no homozygotes.

Submissions (2):

Labcorp Genetics (formerly Invitae), Labcorp
Classification: Uncertain significance for Combined immunodeficiency due to OX40 deficiency. Last evaluated: 2025-04-30. Review status: criteria provided, single submitter. Criteria: Invitae Variant Classification Sherloc (09022015). Collection method: clinical testing. Allele origin: germline.
Comment: This sequence change replaces serine, which is neutral and polar, with leucine, which is neutral and non-polar, at codon 162 of the TNFRSF4 protein (p.Ser162Leu). This variant is present in population databases (rs372412045, gnomAD 0.01%). This variant has not been reported in the literature in individuals affected with TNFRSF4-related conditions. ClinVar contains an entry for this variant (Variation ID: 1035860). Invitae Evidence Modeling of protein sequence and biophysical properties (such as structural, functional, and spatial information, amino acid conservation, physicochemical variation, residue mobility, and thermodynamic stability) indicates that this missense variant is not expected to disrupt TNFRSF4 protein function with a negative predictive value of 80%. In summary, the available evidence is currently insufficient to determine the role of this variant in disease. Therefore, it has been classified as a Variant of Uncertain Significance.

Ambry Genetics
Classification: Uncertain significance. Last evaluated: 2024-09-04. Review status: criteria provided, single submitter. Criteria: Ambry Variant Classification Scheme 2023. Collection method: clinical testing. Allele origin: germline.

NM_003327.4(TNFRSF4):c.485C>T (p.Ser162Leu)

Gene: TNFRSF4 (TNF receptor superfamily member 4; minus strand). Cytogenetic location: 1p36.33.
Variant type: single nucleotide variant.
Coding change: c.485C>T on transcript NM_003327.4 (MANE Select); coding-DNA position 485, C replaced by T.
Protein change: p.Ser162Leu; replaces serine 162 with leucine.
Molecular consequence: missense variant.
Genome position (GRCh38, 1-based): chr1:1,212,091, G>A on the plus strand (C>T on the coding strand, the complement: TNFRSF4 is on the minus strand). VCF-style: chr1-1212091-G-A. GRCh37 (hg19) VCF-style: chr1-1147471-G-A.
Other names: c.485C>T (NM_003327.3); short protein forms S162L.
Identifiers: ClinVar variation 1035860 (VCV001035860.10), dbSNP rs372412045, ClinGen allele CA512444.
Genomic context (GRCh38, chr1:1,212,091, plus strand): 5'-GGGCCCTGGGTCTCCTGGGGCTGCGTGGCTGGGGGGTCCCTGTCCTCACAGATTGCGTCC[G>A]AGCTATTGCTGGCCGGCTGCAGGGTGTGCTTCCCAGCCAAGGTGCAGCTGTTGGGGAACA-3'
Protein context (NP_003318.1, residues 152-172): KHTLQPASNS[Ser162Leu]DAICEDRDPP